The following is an entry in ClinVar:

NM_006939.4(SOS2):c.2855A>C (p.Asp952Ala)

Gene: SOS2 (SOS Ras/Rho guanine nucleotide exchange factor 2; minus strand). Cytogenetic location: 14q21.3.
Variant type: single nucleotide variant.
Coding change: c.2855A>C on transcript NM_006939.4 (MANE Select); coding-DNA position 2855, A replaced by C.
Protein change: p.Asp952Ala; replaces aspartic acid 952 with alanine.
Molecular consequence: missense variant.
Genome position (GRCh38, 1-based): chr14:50,138,715, T>G on the plus strand (A>C on the coding strand, the complement: SOS2 is on the minus strand). VCF-style: chr14-50138715-T-G. GRCh37 (hg19) VCF-style: chr14-50605433-T-G.
Other names: c.2756A>C, p.Asp919Ala (NM_001411020.1); short protein forms D919A, D952A.
Identifiers: ClinVar variation 4844416 (VCV004844416.1).

ClinVar aggregate classification (germline): Uncertain significance (1 of 4 stars; one submission).

Conditions:
Cardiovascular phenotype. Identifiers: MedGen CN230736.

Submission:

Ambry Genetics
Classification: Uncertain significance for Cardiovascular phenotype. Last evaluated: 2026-01-17. Review status: criteria provided, single submitter. Criteria: Ambry Variant Classification Scheme 2023. Collection method: clinical testing. Allele origin: germline.
Comment: The p.D952A variant (also known as c.2855A>C), located in coding exon 18 of the SOS2 gene, results from an A to C substitution at nucleotide position 2855. The aspartic acid at codon 952 is replaced by alanine, an amino acid with dissimilar properties. This amino acid position is conserved. In addition, this alteration is predicted to be tolerated by in silico analysis. Based on the available evidence, the clinical significance of this variant remains unclear.